The following is an entry in ClinVar:

NM_006361.6(HOXB13):c.161C>T (p.Pro54Leu)

Gene: HOXB13 (homeobox B13; minus strand). Cytogenetic location: 17q21.32.
Variant type: single nucleotide variant.
Coding change: c.161C>T on transcript NM_006361.6 (MANE Select); coding-DNA position 161, C replaced by T.
Protein change: p.Pro54Leu; replaces proline 54 with leucine.
Molecular consequence: missense variant.
Genome position (GRCh38, 1-based): chr17:48,728,433, G>A on the plus strand (C>T on the coding strand, the complement: HOXB13 is on the minus strand). VCF-style: chr17-48728433-G-A. GRCh37 (hg19) VCF-style: chr17-46805795-G-A.
Other names: short protein forms P54L.
Identifiers: ClinVar variation 4708705 (VCV004708705.1).

ClinVar aggregate classification (germline): Uncertain significance (1 of 4 stars; one submission).

Submission:

Labcorp Genetics (formerly Invitae), Labcorp
Classification: Uncertain significance. Last evaluated: 2026-01-27. Review status: criteria provided, single submitter. Criteria: Invitae Variant Classification Sherloc (09022015). Collection method: clinical testing. Allele origin: germline.
Comment: This sequence change replaces proline, which is neutral and non-polar, with leucine, which is neutral and non-polar, at codon 54 of the HOXB13 protein (p.Pro54Leu). This variant is not present in population databases (gnomAD no frequency). This variant has not been reported in the literature in individuals affected with HOXB13-related conditions. An algorithm developed to predict the effect of missense changes on protein structure and function (PolyPhen-2) suggests that this variant is likely to be disruptive. In summary, the available evidence is currently insufficient to determine the role of this variant in disease. Therefore, it has been classified as a Variant of Uncertain Significance.